The following is an entry in ClinVar:

ClinVar aggregate classification (germline): Uncertain significance. Review status: criteria provided, multiple submitters, no conflicts (2 of 4 stars). 3 submissions from 3 submitters: Uncertain significance (3). Last evaluated 2024-07-20.

Conditions:
Hereditary cancer-predisposing syndrome. Also called: Tumor predisposition; Hereditary Cancer Syndrome; Neoplastic Syndromes, Hereditary; Hereditary neoplastic syndrome. Identifiers: Orphanet 140162, MedGen C0027672, MeSH D009386, MONDO:0015356.
Ataxia-telangiectasia syndrome (AT). Also called: Cerebello-oculocutaneous telangiectasia; Immunodeficiency with ataxia telangiectasia; ATAXIA-TELANGIECTASIA, COMPLEMENTATION GROUP A; ATAXIA-TELANGIECTASIA, FRESNO VARIANT; LOUIS-BAR SYNDROME; Ataxia-telangiectasia, complementation group E. Identifiers: Orphanet 100, MedGen C0004135, MONDO:0008840, OMIM 208900.

Allele frequency attached by ClinVar (database versions not stated): TOPMed below 0.00001; gnomAD 0.00001.
gnomAD v4.1: 1 of 1,613,518 alleles (0.000062%); highest among the groups gnomAD compares: East Asian, 0.0022%; no homozygotes.

Submissions (3):

Labcorp Genetics (formerly Invitae), Labcorp
Classification: Uncertain significance for Ataxia-telangiectasia syndrome. Last evaluated: 2024-07-20. Review status: criteria provided, single submitter. Criteria: Invitae Variant Classification Sherloc (09022015). Collection method: clinical testing. Allele origin: germline.
Comment: This sequence change replaces glycine, which is neutral and non-polar, with arginine, which is basic and polar, at codon 1672 of the ATM protein (p.Gly1672Arg). This variant is not present in population databases (gnomAD no frequency). This variant has not been reported in the literature in individuals affected with ATM-related conditions. ClinVar contains an entry for this variant (Variation ID: 1018183). An algorithm developed to predict the effect of missense changes on protein structure and function (PolyPhen-2) suggests that this variant is likely to be disruptive. Algorithms developed to predict the effect of sequence changes on RNA splicing suggest that this variant may disrupt the consensus splice site. In summary, the available evidence is currently insufficient to determine the role of this variant in disease. Therefore, it has been classified as a Variant of Uncertain Significance.

Ambry Genetics
Classification: Uncertain significance for Hereditary cancer-predisposing syndrome. Last evaluated: 2022-12-08. Review status: criteria provided, single submitter. Criteria: Ambry Variant Classification Scheme 2023. Collection method: clinical testing. Allele origin: germline.
Comment: The p.G1672R variant (also known as c.5014G>A), located in coding exon 33 of the ATM gene, results from a G to A substitution at nucleotide position 5014. The glycine at codon 1672 is replaced by arginine, an amino acid with dissimilar properties. This amino acid position is highly conserved in available vertebrate species. In addition, this alteration is predicted to be deleterious by in silico analysis. Since supporting evidence is limited at this time, the clinical significance of this alteration remains unclear.

Color Diagnostics, LLC DBA Color Health
Classification: Uncertain significance for Hereditary cancer-predisposing syndrome. Last evaluated: 2021-08-09. Review status: criteria provided, single submitter. Criteria: ACMG Guidelines, 2015. Collection method: clinical testing. Allele origin: germline.
Comment: This missense variant replaces glycine with arginine at codon 1672 of the ATM protein. Computational prediction suggests that this variant may have deleterious impact on protein structure and function (internally defined REVEL score threshold >= 0.7, PMID: 27666373). To our knowledge, functional studies have not been reported for this variant. This variant has not been reported in individuals affected with hereditary cancer in the literature. This variant has not been identified in the general population by the Genome Aggregation Database (gnomAD). The available evidence is insufficient to determine the role of this variant in disease conclusively. Therefore, this variant is classified as a Variant of Uncertain Significance.

Literature cited by the submitters: PubMed 30287823 (cited by Ambry Genetics).

NM_000051.4(ATM):c.5014G>A (p.Gly1672Arg)

Gene: ATM (ATM serine/threonine kinase; plus strand). Cytogenetic location: 11q22.3.
Variant type: single nucleotide variant.
Coding change: c.5014G>A on transcript NM_000051.4 (MANE Select); coding-DNA position 5014, G replaced by A.
Protein change: p.Gly1672Arg; replaces glycine 1672 with arginine.
Molecular consequence: missense variant.
Genome position (GRCh38, 1-based): chr11:108,299,722, G>A. VCF-style: chr11-108299722-G-A. GRCh37 (hg19) VCF-style: chr11-108170449-G-A.
Other names: c.5014G>A, p.Gly1672Arg (NM_001351834.2); short protein forms G1672R.
Identifiers: ClinVar variation 1018183 (VCV001018183.11), dbSNP rs1330898827, ClinGen allele CA382540079.
Genomic context (GRCh38, chr11:108,299,722, plus strand): 5'-TATGTATGATCTCTTACCTATGACTCTACTGAAATAGAATTTCTATATGTAGAGGCTGTT[G>A]GAAGCTGCTTGGGAGAAGTGGGTCCTATAGATTTCTCTACCATAGCTATACAACATAGTA-3'
Protein context (NP_000042.3, residues 1662-1682): TGEKEVLEAV[Gly1672Arg]SCLGEVGPID